The following is an entry in ClinVar:

ClinVar aggregate classification (germline): Benign. Review status: criteria provided, multiple submitters, no conflicts (2 of 4 stars). 3 submissions from 2 submitters: Benign (3). Last evaluated 2021-05-11.

Conditions:
Dilated cardiomyopathy 1J (CMD1J). Also called: CARDIOMYOPATHY, DILATED, WITH SENSORINEURAL HEARING LOSS, AUTOSOMAL DOMINANT. Identifiers: Orphanet 217622, MedGen C1854368, MONDO:0011541, OMIM 605362.
Autosomal dominant nonsyndromic hearing loss 10. Identifiers: Orphanet 90635, MedGen C1832476, MONDO:0011031, OMIM 601316.

Allele frequency attached by ClinVar (database versions not stated): gnomAD exomes 0.14865; gnomAD 0.15191 and 0.15248; TOPMed 0.15241; 1000 Genomes Project 0.15535; 1000 Genomes Project 30x 0.16271.
gnomAD v4.1: 146,741 of 984,408 alleles (15%); highest among the groups gnomAD compares: Middle Eastern, 23%; 11,401 homozygotes.

Submissions (3):

GeneDx
Classification: Benign. Last evaluated: 2021-05-11. Review status: criteria provided, single submitter. Criteria: GeneDx Variant Classification Process June 2021. Collection method: clinical testing. Allele origin: germline. Affected: yes.

Illumina Laboratory Services, Illumina
Classification: Benign for Dilated cardiomyopathy 1J. Last evaluated: 2018-01-13. Review status: criteria provided, single submitter. Criteria: ICSL Variant Classification Criteria 13 December 2019. Collection method: clinical testing. Allele origin: germline.
Comment: This variant was observed in the ICSL laboratory as part of a predisposition screen in an ostensibly healthy population. It had not been previously curated by ICSL or reported in the Human Gene Mutation Database (HGMD: prior to June 1st, 2018), and was therefore a candidate for classification through an automated scoring system. Utilizing variant allele frequency, disease prevalence and penetrance estimates, and inheritance mode, an automated score was calculated to assess if this variant is too frequent to cause the disease. Based on the score and internal cut-off values, a variant classified as benign is not then subjected to further curation. The score for this variant resulted in a classification of benign for this disease.

Illumina Laboratory Services, Illumina
Classification: Benign for Autosomal dominant nonsyndromic hearing loss 10. Last evaluated: 2018-01-13. Review status: criteria provided, single submitter. Criteria: ICSL Variant Classification Criteria 13 December 2019. Collection method: clinical testing. Allele origin: germline.
Comment: the same text as in the submission from Illumina Laboratory Services, Illumina above.

NM_004100.5(EYA4):c.*1867C>T

Genes: TARID (TCF21 antisense RNA inducing promoter demethylation; minus strand), EYA4 (EYA transcriptional coactivator and phosphatase 4; plus strand). Cytogenetic location: 6q23.2.
Variant type: single nucleotide variant.
Coding change: c.*1867C>T on transcript NM_004100.5 (MANE Select); 1867 bases downstream of the stop codon, C replaced by T.
Molecular consequence: 3 prime UTR variant.
Genome position (GRCh38, 1-based): chr6:133,530,672, C>T. VCF-style: chr6-133530672-C-T. GRCh37 (hg19) VCF-style: chr6-133851810-C-T.
Other names: c.*1867C>T (NM_001301012.2, NM_001301013.2, NM_001370458.1 and 3 more transcripts).
Identifiers: ClinVar variation 355460 (VCV000355460.7), dbSNP rs17053540, ClinGen allele CA10626012.
Genomic context (GRCh38, chr6:133,530,672, plus strand): 5'-TCACTGTGGAAATATGATTTCATTTCTTTAGGCTACAAACCTGTATTTCTTTACTGAATG[C>T]TAAGGCCATGTTTATATTGGGTAGAAAGATATTGAGATCCCAATTTTGTACAAGATTGTG-3'